The following is an entry in ClinVar:

NM_000329.3(RPE65):c.751G>A (p.Val251Ile)

Gene: RPE65 (retinoid isomerohydrolase RPE65; minus strand). Cytogenetic location: 1p31.3.
Variant type: single nucleotide variant.
Coding change: c.751G>A on transcript NM_000329.3 (MANE Select); coding-DNA position 751, G replaced by A.
Protein change: p.Val251Ile; replaces valine 251 with isoleucine.
Molecular consequence: missense variant.
Genome position (GRCh38, 1-based): chr1:68,439,298, C>T on the plus strand (G>A on the coding strand, the complement: RPE65 is on the minus strand). VCF-style: chr1-68439298-C-T. GRCh37 (hg19) VCF-style: chr1-68904981-C-T.
Other names: short protein forms V251I.
Identifiers: ClinVar variation 859225 (VCV000859225.7), dbSNP rs1325815513, ClinGen allele CA340745838.

ClinVar aggregate classification (germline): Uncertain significance. Review status: criteria provided, single submitter (1 of 4 stars). 2 submissions from 2 submitters: Uncertain significance (1). 1 of the submissions does not count toward it. Last evaluated 2021-08-30.

Conditions:
Leber congenital amaurosis 2 (LCA2). Also called: AMAUROSIS CONGENITA OF LEBER II; Autosomal Recessive RPE65-Related Retinal Degeneration. Identifiers: Orphanet 65, MedGen C1859844, MONDO:0008765, OMIM 204100. Disease mechanism: loss of function.
Retinitis pigmentosa 20 (RP20). Identifiers: Orphanet 791, MedGen C3151086, MONDO:0013425, OMIM 613794.
Leber congenital amaurosis (LCA). Also called: Leber's amaurosis. Identifiers: Orphanet 65, MedGen C0339527, MeSH D057130, MONDO:0018998.

Allele frequency attached by ClinVar (database versions not stated): gnomAD exomes below 0.00001; TOPMed 0.00001.

Submissions (2):

Labcorp Genetics (formerly Invitae), Labcorp
Classification: Uncertain significance for Leber congenital amaurosis 2; Retinitis pigmentosa 20. Last evaluated: 2021-08-30. Review status: criteria provided, single submitter. Criteria: Invitae Variant Classification Sherloc (09022015). Collection method: clinical testing. Allele origin: germline.
Comment: This sequence change replaces valine with isoleucine at codon 251 of the RPE65 protein (p.Val251Ile). The valine residue is highly conserved and there is a small physicochemical difference between valine and isoleucine. This variant is not present in population databases (ExAC no frequency). This variant has not been reported in the literature in individuals affected with RPE65-related conditions. Algorithms developed to predict the effect of missense changes on protein structure and function are either unavailable or do not agree on the potential impact of this missense change (SIFT: "Tolerated"; PolyPhen-2: "Probably Damaging"; Align-GVGD: "Class C0"). In summary, the available evidence is currently insufficient to determine the role of this variant in disease. Therefore, it has been classified as a Variant of Uncertain Significance.

Natera, Inc.
Classification: Uncertain significance for Leber congenital amaurosis. Last evaluated: 2021-03-23. Review status: no assertion criteria provided. Collection method: clinical testing. Allele origin: germline. Not counted in ClinVar's aggregate classification.